The following is an entry in ClinVar:

ClinVar aggregate classification (germline): Uncertain significance (0 of 4 stars; one submission).

Conditions:
KMT2D-related disorder. Also called: KMT2D-Related Disorders.

gnomAD v4.1: 2 of 1,612,588 alleles (0.00012%); highest among the groups gnomAD compares: South Asian, 0.0011%; no homozygotes.

Submission:

PreventionGenetics, part of Exact Sciences
Classification: Uncertain significance for KMT2D-related condition. Last evaluated: 2024-07-12. Review status: no assertion criteria provided. Collection method: clinical testing. Allele origin: germline.
Comment: The KMT2D c.251G>T variant is predicted to result in the amino acid substitution p.Arg84Leu. To our knowledge, this variant has not been reported in the literature or in a large population database, indicating this variant is rare. At this time, the clinical significance of this variant is uncertain due to the absence of conclusive functional and genetic evidence.

NM_003482.4(KMT2D):c.251G>T (p.Arg84Leu)

Gene: KMT2D (lysine methyltransferase 2D; minus strand). Cytogenetic location: 12q13.12.
Variant type: single nucleotide variant.
Coding change: c.251G>T on transcript NM_003482.4 (MANE Select); coding-DNA position 251, G replaced by T.
Protein change: p.Arg84Leu; replaces arginine 84 with leucine.
Molecular consequence: missense variant.
Genome position (GRCh38, 1-based): chr12:49,054,677, C>A on the plus strand (G>T on the coding strand, the complement: KMT2D is on the minus strand). VCF-style: chr12-49054677-C-A. GRCh37 (hg19) VCF-style: chr12-49448460-C-A.
Other names: short protein forms R84L.
Identifiers: ClinVar variation 3355737 (VCV003355737.1).
Genomic context (GRCh38, chr12:49,054,677, plus strand): 5'-CCTGGGCTCCCCCCAGGGGACACCACTGGACACCGGGGCCAATCAAATGGCAACTCAAAG[C>A]GCCGTAGCTCCCGCTGCCCGTGTAGACTGGGCTCCCCGCAGTTACAGAGAGCACAACGCC-3'
Protein context (NP_003473.3, residues 74-94): PSLHGQRELR[Arg84Leu]FELPFDWPRC